The following is an entry in ClinVar:

NM_000494.4(COL17A1):c.3076A>G (p.Ser1026Gly)

Gene: COL17A1 (collagen type XVII alpha 1 chain; minus strand). Cytogenetic location: 10q25.1.
Variant type: single nucleotide variant.
Coding change: c.3076A>G on transcript NM_000494.4 (MANE Select); coding-DNA position 3076, A replaced by G.
Protein change: p.Ser1026Gly; replaces serine 1026 with glycine.
Molecular consequence: missense variant.
Genome position (GRCh38, 1-based): chr10:104,037,768, T>C on the plus strand (A>G on the coding strand, the complement: COL17A1 is on the minus strand). VCF-style: chr10-104037768-T-C. GRCh37 (hg19) VCF-style: chr10-105797526-T-C.
Other names: short protein forms S1026G.
Identifiers: ClinVar variation 4694305 (VCV004694305.1).

ClinVar aggregate classification (germline): Uncertain significance (1 of 4 stars; one submission).

gnomAD v4.1: 8 of 1,613,810 alleles (0.0005%); highest among the groups gnomAD compares: Admixed American, 0.005%; no homozygotes.

Submission:

Labcorp Genetics (formerly Invitae), Labcorp
Classification: Uncertain significance. Last evaluated: 2025-06-13. Review status: criteria provided, single submitter. Criteria: Invitae Variant Classification Sherloc (09022015). Collection method: clinical testing. Allele origin: germline.
Comment: This sequence change replaces serine, which is neutral and polar, with glycine, which is neutral and non-polar, at codon 1026 of the COL17A1 protein (p.Ser1026Gly). This variant is present in population databases (rs747953502, gnomAD 0.009%). This variant has not been reported in the literature in individuals affected with COL17A1-related conditions. Invitae Evidence Modeling of protein sequence and biophysical properties (such as structural, functional, and spatial information, amino acid conservation, physicochemical variation, residue mobility, and thermodynamic stability) indicates that this missense variant is not expected to disrupt COL17A1 protein function with a negative predictive value of 80%. In summary, the available evidence is currently insufficient to determine the role of this variant in disease. Therefore, it has been classified as a Variant of Uncertain Significance.